The following is an entry in ClinVar:

NM_015046.7(SETX):c.6524T>C (p.Phe2175Ser)

Gene: SETX (senataxin; minus strand). Cytogenetic location: 9q34.13.
Variant type: single nucleotide variant.
Coding change: c.6524T>C on transcript NM_015046.7 (MANE Select); coding-DNA position 6524, T replaced by C.
Protein change: p.Phe2175Ser; replaces phenylalanine 2175 with serine.
Molecular consequence: missense variant.
Genome position (GRCh38, 1-based): chr9:132,283,286, A>G on the plus strand (T>C on the coding strand, the complement: SETX is on the minus strand). VCF-style: chr9-132283286-A-G. GRCh37 (hg19) VCF-style: chr9-135158673-A-G.
Other names: c.6524T>C, p.Phe2175Ser (NM_001351527.2, NM_001351528.2); short protein forms F2175S.
Identifiers: ClinVar variation 4788216 (VCV004788216.1).

ClinVar aggregate classification (germline): Uncertain significance (1 of 4 stars; one submission).

Conditions:
Spinocerebellar ataxia, autosomal recessive, with axonal neuropathy 2 (SCAN2). Also called: ATAXIA-OCULOMOTOR APRAXIA 2; Ataxia with Oculomotor Apraxia; Ataxia-ocular apraxia-2; Ataxia with Oculomotor Apraxia Type 2. Identifiers: Orphanet 64753, MedGen C1853761, MONDO:0018996, OMIM 606002.
Amyotrophic lateral sclerosis type 4 (ALS4). Also called: AMYOTROPHIC LATERAL SCLEROSIS 4, JUVENILE; NEURONOPATHY, DISTAL HEREDITARY MOTOR, WITH PYRAMIDAL FEATURES. Identifiers: Orphanet 357043, MedGen C1865409, MONDO:0011223, OMIM 602433.

gnomAD v4.1: 10 of 1,614,164 alleles (0.00062%); highest among the groups gnomAD compares: Non-Finnish European, 0.00085%; no homozygotes.

Submission:

Labcorp Genetics (formerly Invitae), Labcorp
Classification: Uncertain significance for Amyotrophic lateral sclerosis type 4; Spinocerebellar ataxia, autosomal recessive, with axonal neuropathy 2. Last evaluated: 2026-01-16. Review status: criteria provided, single submitter. Criteria: Invitae Variant Classification Sherloc (09022015). Collection method: clinical testing. Allele origin: germline.
Comment: This sequence change replaces phenylalanine, which is neutral and non-polar, with serine, which is neutral and polar, at codon 2175 of the SETX protein (p.Phe2175Ser). This variant is present in population databases (rs761333820, gnomAD 0.0009%). This variant has not been reported in the literature in individuals affected with SETX-related conditions. Invitae Evidence Modeling of protein sequence and biophysical properties (such as structural, functional, and spatial information, amino acid conservation, physicochemical variation, residue mobility, and thermodynamic stability) indicates that this missense variant is expected to disrupt SETX protein function with a positive predictive value of 95%. In summary, the available evidence is currently insufficient to determine the role of this variant in disease. Therefore, it has been classified as a Variant of Uncertain Significance.